The following is an entry in ClinVar:

NM_172107.4(KCNQ2):c.914T>C (p.Phe305Ser)

Gene: KCNQ2 (potassium voltage-gated channel subfamily Q member 2; minus strand). Cytogenetic location: 20q13.33.
Variant type: single nucleotide variant.
Coding change: c.914T>C on transcript NM_172107.4 (MANE Select); coding-DNA position 914, T replaced by C.
Protein change: p.Phe305Ser; replaces phenylalanine 305 with serine.
Molecular consequence: missense variant.
Genome position (GRCh38, 1-based): chr20:63,439,611, A>G on the plus strand (T>C on the coding strand, the complement: KCNQ2 is on the minus strand). VCF-style: chr20-63439611-A-G. GRCh37 (hg19) VCF-style: chr20-62070964-A-G.
Other names: c.914T>C, p.Phe305Ser (NM_001382235.1, NM_004518.6, NM_172106.3 and 2 more transcripts); short protein forms F305S.
Identifiers: ClinVar variation 2818350 (VCV002818350.3), dbSNP rs2516418712, ClinGen allele CA409652475.

ClinVar aggregate classification (germline): Likely pathogenic (1 of 4 stars; one submission).

Conditions:
Early-infantile DEE. Also called: Early infantile epileptic encephalopathy; Early infantile epileptic encephalopathy with suppression bursts; Ohtahara syndrome. Identifiers: Orphanet 1934, MedGen C0393706, MONDO:0800491.

Submission:

Labcorp Genetics (formerly Invitae), Labcorp
Classification: Likely pathogenic for Early-infantile DEE. Last evaluated: 2022-12-03. Review status: criteria provided, single submitter. Criteria: Invitae Variant Classification Sherloc (09022015). Collection method: clinical testing. Allele origin: germline.
Comment: This sequence change replaces phenylalanine, which is neutral and non-polar, with serine, which is neutral and polar, at codon 305 of the KCNQ2 protein (p.Phe305Ser). This variant is not present in population databases (gnomAD no frequency). This variant has not been reported in the literature in individuals affected with KCNQ2-related conditions. Advanced modeling of protein sequence and biophysical properties (such as structural, functional, and spatial information, amino acid conservation, physicochemical variation, residue mobility, and thermodynamic stability) performed at Invitae indicates that this missense variant is expected to disrupt KCNQ2 protein function. This variant disrupts the p.Phe305 amino acid residue in KCNQ2. Other variant(s) that disrupt this residue have been determined to be pathogenic (PMID: 25473036; Invitae). This suggests that this residue is clinically significant, and that variants that disrupt this residue are likely to be disease-causing. In summary, the currently available evidence indicates that the variant is pathogenic, but additional data are needed to prove that conclusively. Therefore, this variant has been classified as Likely Pathogenic.

Literature cited by the submitters: PubMed 25473036.